The following is an entry in ClinVar:

NM_001206927.2(DNAH8):c.10832A>T (p.Tyr3611Phe)

Genes: DNAH8 (dynein axonemal heavy chain 8; plus strand), DNAH8-AS1 (DNAH8 antisense RNA 1; minus strand). Cytogenetic location: 6p21.2.
Variant type: single nucleotide variant.
Coding change: c.10832A>T on transcript NM_001206927.2 (MANE Select); coding-DNA position 10832, A replaced by T.
Protein change: p.Tyr3611Phe; replaces tyrosine 3611 with phenylalanine.
Molecular consequence: missense variant.
Genome position (GRCh38, 1-based): chr6:38,924,032, A>T. VCF-style: chr6-38924032-A-T. GRCh37 (hg19) VCF-style: chr6-38891808-A-T.
Other names: c.10181A>T, p.Tyr3394Phe (NM_001371.4); short protein forms Y3394F, Y3611F.
Identifiers: ClinVar variation 1363272 (VCV001363272.8), dbSNP rs2150561619, ClinGen allele CA364013358.

ClinVar aggregate classification (germline): Uncertain significance (1 of 4 stars; one submission).

Conditions:
Primary ciliary dyskinesia. Also called: Ciliary dyskinesia. Identifiers: Orphanet 244, MedGen C0008780, MONDO:0016575, HP:0012265.

Submission:

Labcorp Genetics (formerly Invitae), Labcorp
Classification: Uncertain significance for Primary ciliary dyskinesia. Last evaluated: 2024-02-24. Review status: criteria provided, single submitter. Criteria: Invitae Variant Classification Sherloc (09022015). Collection method: clinical testing. Allele origin: germline.
Comment: This sequence change replaces tyrosine, which is neutral and polar, with phenylalanine, which is neutral and non-polar, at codon 3611 of the DNAH8 protein (p.Tyr3611Phe). This variant is not present in population databases (gnomAD no frequency). This variant has not been reported in the literature in individuals affected with DNAH8-related conditions. ClinVar contains an entry for this variant (Variation ID: 1363272). Advanced modeling of protein sequence and biophysical properties (such as structural, functional, and spatial information, amino acid conservation, physicochemical variation, residue mobility, and thermodynamic stability) has been performed at Invitae for this missense variant, however the output from this modeling did not meet the statistical confidence thresholds required to predict the impact of this variant on DNAH8 protein function. In summary, the available evidence is currently insufficient to determine the role of this variant in disease. Therefore, it has been classified as a Variant of Uncertain Significance.